The following is an entry in ClinVar:

NM_000051.4(ATM):c.5919-21_5919-20del

Genes: ATM (ATM serine/threonine kinase; plus strand), C11orf65 (chromosome 11 open reading frame 65; minus strand). Cytogenetic location: 11q22.3.
Variant type: Microsatellite.
Coding change: c.5919-21_5919-20del on transcript NM_000051.4 (MANE Select); 21 bases into the intron before coding-DNA position 5919 through 20 bases into the intron before coding-DNA position 5919, 2 bases deleted (AG; older notation c.5919-21_5919-20delAG).
Molecular consequence: intron variant.
Genome position (GRCh38, 1-based): chr11:108,312,390-108,312,391, AG deleted; deleting any 2 consecutive bases within chr11:108,312,388-108,312,391 gives the same sequence; the c. name uses the placement nearest the transcript's 3' end. VCF-style (leftmost placement, unchanged base first): chr11-108312387-AAG-A. GRCh37 (hg19) VCF-style: chr11-108183114-AAG-A.
Other names: c.5919-21_5919-20del (NM_001351834.2); c.641-3318_641-3317del (NM_001330368.2); c.*39-3318_*39-3317del (NM_001351110.2).
Identifiers: ClinVar variation 4168587 (VCV004168587.2).

ClinVar aggregate classification (germline): Uncertain significance (1 of 4 stars; one submission).

Conditions:
Hereditary cancer-predisposing syndrome. Also called: Neoplastic Syndromes, Hereditary; Tumor predisposition; Hereditary neoplastic syndrome; Hereditary Cancer Syndrome. Identifiers: Orphanet 140162, MedGen C0027672, MeSH D009386, MONDO:0015356.

Submission:

Ambry Genetics
Classification: Uncertain significance for Hereditary cancer-predisposing syndrome. Last evaluated: 2026-06-16. Review status: criteria provided, single submitter. Criteria: Ambry Variant Classification Scheme 2023. Collection method: clinical testing. Allele origin: germline.
Comment: The c.5919-21_5919-20delAG intronic variant, located in intron 38 of the ATM gene, results from a deletion of two nucleotides within intron 38 of the ATM gene. In silico splice site analysis predicts that this alteration will result in the creation or strengthening of a novel splice acceptor site; however, direct evidence is insufficient at this time (Ambry internal data). Based on the available evidence, the clinical significance of this variant remains unclear.